The following is an entry in ClinVar:

NM_022132.5(MCCC2):c.430G>T (p.Ala144Ser)

Gene: MCCC2 (methylcrotonyl-CoA carboxylase subunit 2; plus strand). Cytogenetic location: 5q13.2.
Variant type: single nucleotide variant.
Coding change: c.430G>T on transcript NM_022132.5 (MANE Select); coding-DNA position 430, G replaced by T.
Protein change: p.Ala144Ser; replaces alanine 144 with serine.
Molecular consequence: missense variant.
Genome position (GRCh38, 1-based): chr5:71,602,552, G>T. VCF-style: chr5-71602552-G-T. GRCh37 (hg19) VCF-style: chr5-70898379-G-T.
Other names: c.430G>T, p.Ala144Ser (NM_001363147.1); short protein forms A144S.
Identifiers: ClinVar variation 662534 (VCV000662534.8), dbSNP rs1468231692, ClinGen allele CA360010513.
Genomic context (GRCh38, chr5:71,602,552, plus strand): 5'-TTTCTGCCTTTCAGAGTAGAATGCATGATTATTGCCAATGATGCCACCGTCAAAGGAGGT[G>T]CCTACTACCCAGTGACTGTGAAAAAACAATTACGGGCCCAAGAAATTGCCATGCAAAACA-3'
Protein context (NP_071415.1, residues 134-154): IANDATVKGG[Ala144Ser]YYPVTVKKQL

ClinVar aggregate classification (germline): Uncertain significance (1 of 4 stars; one submission).

Conditions:
3-methylcrotonyl-CoA carboxylase 2 deficiency. Also called: METHYLCROTONYLGLYCINURIA, TYPE II; 3 alpha methylcrotonyl-CoA carboxylase 2 deficiency; 3 alpha methylcrotonylglycinuria 2; MCC 2 deficiency; Methylcrotonylglycinuria type 2. Identifiers: Orphanet 6, MedGen C1859499, MONDO:0008862, OMIM 210210.

Allele frequency attached by ClinVar (database versions not stated): gnomAD exomes below 0.00001.
gnomAD v4.1: 3 of 1,614,166 alleles (0.00019%); highest among the groups gnomAD compares: South Asian, 0.0022%; no homozygotes.

Submission:

Labcorp Genetics (formerly Invitae), Labcorp
Classification: Uncertain significance for 3-methylcrotonyl-CoA carboxylase 2 deficiency. Last evaluated: 2020-01-22. Review status: criteria provided, single submitter. Criteria: Invitae Variant Classification Sherloc (09022015). Collection method: clinical testing. Allele origin: germline.
Comment: This variant is not present in population databases (ExAC no frequency). This sequence change replaces alanine with serine at codon 144 of the MCCC2 protein (p.Ala144Ser). The alanine residue is weakly conserved and there is a moderate physicochemical difference between alanine and serine. This variant has not been reported in the literature in individuals with MCCC2-related disease. Algorithms developed to predict the effect of missense changes on protein structure and function output the following: SIFT: "Tolerated"; PolyPhen-2: "Benign"; Align-GVGD: "Class C0". The serine amino acid residue is found in multiple mammalian species, suggesting that this missense change does not adversely affect protein function. These predictions have not been confirmed by published functional studies and their clinical significance is uncertain. In summary, the available evidence is currently insufficient to determine the role of this variant in disease. Therefore, it has been classified as a Variant of Uncertain Significance.